The following is an entry in ClinVar:

NM_001042492.3(NF1):c.4878T>C (p.His1626=)

Gene: NF1 (neurofibromin 1; plus strand). Cytogenetic location: 17q11.2.
Variant type: single nucleotide variant.
Coding change: c.4878T>C on transcript NM_001042492.3 (MANE Select); coding-DNA position 4878, T replaced by C.
Protein change: p.His1626=; no amino-acid change (histidine 1626 retained).
Molecular consequence: synonymous variant.
Genome position (GRCh38, 1-based): chr17:31,325,862, T>C. VCF-style: chr17-31325862-T-C. GRCh37 (hg19) VCF-style: chr17-29652880-T-C.
Other names: c.4815T>C, p.His1605= (NM_000267.4).
Identifiers: ClinVar variation 233512 (VCV000233512.16), dbSNP rs374589653, ClinGen allele CA8487116.

ClinVar aggregate classification (germline): Benign/Likely benign. Review status: criteria provided, multiple submitters, no conflicts (2 of 4 stars). 5 submissions from 5 submitters: Benign (1); Likely benign (4). Last evaluated 2026-05-20.

Conditions:
Hereditary cancer-predisposing syndrome. Also called: Neoplastic Syndromes, Hereditary; Hereditary Cancer Syndrome; Tumor predisposition; Hereditary neoplastic syndrome. Identifiers: Orphanet 140162, MedGen C0027672, MeSH D009386, MONDO:0015356.
Neurofibromatosis, type 1 (NF1). Also called: Peripheral type neurofibromatosis; Neurofibromatosis, type I; VON RECKLINGHAUSEN DISEASE; NEUROFIBROMATOSIS, TYPE I, SOMATIC. Identifiers: Orphanet 636, MedGen C0027831, MONDO:0018975, OMIM 162200. Disease mechanism: loss of function.

Allele frequency attached by ClinVar (database versions not stated): gnomAD exomes below 0.00001 and 0.00001; ExAC 0.00002; TOPMed 0.00002; gnomAD 0.00003; ESP Exome Variant Server 0.00008.
gnomAD v4.1: 9 of 1,614,084 alleles (0.00056%); highest among the groups gnomAD compares: Non-Finnish European, 0.00076%; no homozygotes.

Submissions (5):

Myriad Genetics, Inc.
Classification: Benign for Neurofibromatosis, type 1. Last evaluated: 2026-05-20. Review status: criteria provided, single submitter. Criteria: Myriad Autosomal Dominant, Autosomal Recessive and X-Linked Classification Criteria (2023). Collection method: clinical testing. Allele origin: unknown.
Comment: This variant is considered benign. This variant is a silent/synonymous amino acid change and it is not expected to impact splicing.

Labcorp Genetics (formerly Invitae), Labcorp
Classification: Likely benign for Neurofibromatosis, type 1. Last evaluated: 2026-01-31. Review status: criteria provided, single submitter. Criteria: Invitae Variant Classification Sherloc (09022015). Collection method: clinical testing. Allele origin: germline.

Blueprint Genetics
Classification: Likely benign. Last evaluated: 2023-10-24. Review status: criteria provided, single submitter. Criteria: ACMG Guidelines, 2015. Collection method: clinical testing. Allele origin: germline.

Genome-Nilou Lab
Classification: Likely benign for Neurofibromatosis, type 1. Last evaluated: 2022-03-15. Review status: criteria provided, single submitter. Criteria: ACMG Guidelines, 2015. Collection method: clinical testing. Allele origin: germline. Affected: no.

Ambry Genetics
Classification: Likely benign for Hereditary cancer-predisposing syndrome. Last evaluated: 2015-08-25. Review status: criteria provided, single submitter. Criteria: Ambry Autosomal Dominant and X-Linked criteria (10/2015). Collection method: clinical testing. Allele origin: germline. Observed: 1 variant allele.
Comment: In silico models in agreement (benign);Synonymous alterations with insufficient evidence to classify as benign